The following is an entry in ClinVar:

NM_147127.5(EVC2):c.1711-6T>A

Gene: EVC2 (EvC ciliary complex subunit 2; minus strand). Cytogenetic location: 4p16.2.
Variant type: single nucleotide variant.
Coding change: c.1711-6T>A on transcript NM_147127.5 (MANE Select); 6 bases into the intron before coding-DNA position 1711, T replaced by A.
Molecular consequence: intron variant.
Genome position (GRCh38, 1-based): chr4:5,628,740, A>T on the plus strand (T>A on the coding strand, the complement: EVC2 is on the minus strand). VCF-style: chr4-5628740-A-T. GRCh37 (hg19) VCF-style: chr4-5630467-A-T.
Other names: c.1471-6T>A (NM_001166136.2); c.1711-6T>A (NM_147127.4).
Identifiers: ClinVar variation 1434201 (VCV001434201.7), dbSNP rs780082286, ClinGen allele CA2834950.

ClinVar aggregate classification (germline): Uncertain significance. Review status: criteria provided, single submitter (1 of 4 stars). 2 submissions from 2 submitters: Uncertain significance (1). 1 of the submissions does not count toward it. Last evaluated 2025-09-08.

Conditions:
EVC2-related disorder. Also called: EVC2-related condition.
Curry-Hall syndrome (WAD). Also called: WEYERS ACRODENTAL DYSOSTOSIS. Identifiers: Orphanet 952, MedGen C0457013, MONDO:0008673, OMIM 193530.
Ellis-van Creveld syndrome (EVC). Also called: MESOECTODERMAL DYSPLASIA; EVC-Related Ellis-van Creveld Syndrome; EVC2-Related Ellis-van Creveld Syndrome; Chondroectodermal dysplasia. Identifiers: Orphanet 289, MedGen C0013903, MONDO:0009162, OMIM 225500.

Allele frequency attached by ClinVar (database versions not stated): gnomAD exomes below 0.00001 and 0.00001; TOPMed below 0.00001; ExAC 0.00001; gnomAD 0.00001.
gnomAD v4.1: 6 of 1,575,582 alleles (0.00038%); highest among the groups gnomAD compares: Non-Finnish European, 0.00051%; no homozygotes.

Submissions (2):

Labcorp Genetics (formerly Invitae), Labcorp
Classification: Uncertain significance for Curry-Hall syndrome; Ellis-van Creveld syndrome. Last evaluated: 2025-09-08. Review status: criteria provided, single submitter. Criteria: Invitae Variant Classification Sherloc (09022015). Collection method: clinical testing. Allele origin: germline.
Comment: This sequence change falls in intron 11 of the EVC2 gene. It does not directly change the encoded amino acid sequence of the EVC2 protein. The frequency data for this variant in the population databases is considered unreliable, as metrics indicate poor data quality at this position in the gnomAD database. This variant has not been reported in the literature in individuals affected with EVC2-related conditions. ClinVar contains an entry for this variant (Variation ID: 1434201). Algorithms developed to predict the effect of sequence changes on RNA splicing suggest that this variant may disrupt the consensus splice site. In summary, the available evidence is currently insufficient to determine the role of this variant in disease. Therefore, it has been classified as a Variant of Uncertain Significance.

PreventionGenetics, part of Exact Sciences
Classification: Uncertain significance for EVC2-related condition. Last evaluated: 2024-01-03. Review status: no assertion criteria provided. Collection method: clinical testing. Allele origin: germline. Not counted in ClinVar's aggregate classification.
Comment: The EVC2 c.1711-6T>A variant is predicted to interfere with splicing. To our knowledge, this variant has not been reported in the literature. This variant is reported in 0.0019% of alleles in individuals of European (Non-Finnish) descent in gnomAD. At this time, the clinical significance of this variant is uncertain due to the absence of conclusive functional and genetic evidence.